The following is an entry in ClinVar:

ClinVar aggregate classification (germline): Uncertain significance (1 of 4 stars; one submission).

Conditions:
Dilated cardiomyopathy 1AA (CMD1AA). Also called: CARDIOMYOPATHY, DILATED, 1AA, WITH OR WITHOUT LEFT VENTRICULAR NONCOMPACTION; CARDIOMYOPATHY, FAMILIAL HYPERTROPHIC, 23, WITH OR WITHOUT LEFT VENTRICULAR NONCOMPACTION; Cardiomyopathy, dilated, 1AA, with or without LVNC. Identifiers: Orphanet 154, MedGen C2677338, MONDO:0012808, OMIM 612158.
Primary familial hypertrophic cardiomyopathy (HCM). Identifiers: Orphanet 99739, MedGen C0949658, MeSH D024741, MONDO:0024573. Inheritance: Various modes of inheritance.

Submission:

Labcorp Genetics (formerly Invitae), Labcorp
Classification: Uncertain significance for Primary familial hypertrophic cardiomyopathy; Dilated cardiomyopathy 1AA. Last evaluated: 2025-02-06. Review status: criteria provided, single submitter. Criteria: Invitae Variant Classification Sherloc (09022015). Collection method: clinical testing. Allele origin: germline.
Comment: This sequence change creates a premature translational stop signal (p.Met773Profs*5) in the ACTN2 gene. It is expected to result in an absent or disrupted protein product. However, the current clinical and genetic evidence is not sufficient to establish whether loss-of-function variants in ACTN2 cause disease. This variant is not present in population databases (gnomAD no frequency). This variant has not been reported in the literature in individuals affected with ACTN2-related conditions. In summary, the available evidence is currently insufficient to determine the role of this variant in disease. Therefore, it has been classified as a Variant of Uncertain Significance.

NM_001103.4(ACTN2):c.2313_2316dup (p.Met773fs)

Gene: ACTN2 (actinin alpha 2; plus strand). Cytogenetic location: 1q43.
Variant type: Duplication.
Coding change: c.2313_2316dup on transcript NM_001103.4 (MANE Select); coding-DNA positions 2313 to 2316, 4 bases duplicated (CCTG; older notation c.2313_2316dupCCTG).
Protein change: p.Met773fs; shifts the reading frame from methionine 773.
Molecular consequence: frameshift variant. On other transcripts: non-coding transcript variant (1).
Genome position (GRCh38, 1-based): chr1:236,759,735-236,759,738, CCTG duplicated; duplicating any 4 consecutive bases within chr1:236,759,734-236,759,738 gives the same sequence; the c. name uses the placement nearest the transcript's 3' end. VCF-style (leftmost placement, unchanged base first): chr1-236759733-G-GGCCT. GRCh37 (hg19) VCF-style: chr1-236923033-G-GGCCT.
Other names: c.2313_2316dup, p.Met773fs (NM_001278343.2); short protein forms M773fs.
Identifiers: ClinVar variation 4792384 (VCV004792384.1).
Genomic context (GRCh38, chr1:236,759,733, plus strand): 5'-TGCTCATCTTGCCCTGTGCTCACCTGCTCTGTCCTTTGTTTTTGCCAACAGAGGAAGAAT[G>GGCCT]GCCTGATGGATCATGAGGATTTCAGAGCCTGCCTGATTTCCATGGGTTATGACCTGGTAA-3'